The following is an entry in ClinVar:

NM_000554.6(CRX):c.139A>C (p.Thr47Pro)

Gene: CRX (cone-rod homeobox; plus strand). Cytogenetic location: 19q13.33.
Variant type: single nucleotide variant.
Coding change: c.139A>C on transcript NM_000554.6 (MANE Select); coding-DNA position 139, A replaced by C.
Protein change: p.Thr47Pro; replaces threonine 47 with proline.
Molecular consequence: missense variant.
Genome position (GRCh38, 1-based): chr19:47,836,281, A>C. VCF-style: chr19-47836281-A-C. GRCh37 (hg19) VCF-style: chr19-48339538-A-C.
Other names: short protein forms T47P.
Identifiers: ClinVar variation 931935 (VCV000931935.3), dbSNP rs1939392843, ClinGen allele CA406629492.

ClinVar aggregate classification (germline): Uncertain significance (1 of 4 stars; one submission).

Conditions:
Retinitis pigmentosa (RP). Identifiers: Orphanet 791, MedGen C0035334, MeSH D012174, MONDO:0019200, OMIM 268000. Inheritance: Autosomal dominant, autosomal recessive and X linked inheritance.

Submission:

Centre for Mendelian Genomics, University Medical Centre Ljubljana
Classification: Uncertain significance for Retinitis pigmentosa. Last evaluated: 2018-11-10. Review status: criteria provided, single submitter. Criteria: ACMG Guidelines, 2015. Collection method: clinical testing. Allele origin: unknown. Affected: yes.
Comment: This variant was classified as: Uncertain significance. The available evidence favors the pathogenic nature of this variant, however the currently available data is insufficient to conclusively support its pathogenic nature. Thus this variant is classified as Uncertain significance - favor pathogenic. The following ACMG criteria were applied in classifying this variant: PM2,PP3,PP4.